The following is an entry in ClinVar:

ClinVar aggregate classification (germline): Uncertain significance. Review status: criteria provided, multiple submitters, no conflicts (2 of 4 stars). 3 submissions from 3 submitters: Uncertain significance (3). Last evaluated 2026-02-03.

Conditions:
Inborn genetic diseases. Identifiers: MedGen C0950123, MeSH D030342.
Familial sleep-related hypermotor epilepsy. Also called: Autosomal Dominant Sleep-Related Hypermotor (Hyperkinetic) Epilepsy. Identifiers: Orphanet 98784, MedGen C3696898, MONDO:0000030.

Allele frequency attached by ClinVar (database versions not stated): gnomAD 0.00001 and 0.00003; gnomAD exomes 0.00001 and 0.00004; ExAC 0.00004; 1000 Genomes Project 30x 0.00031; TOPMed 0.00002; 1000 Genomes Project 0.00020.
gnomAD v4.1: 16 of 1,578,410 alleles (0.001%); highest among the groups gnomAD compares: Admixed American, 0.016%; no homozygotes.

Submissions (3):

Labcorp Genetics (formerly Invitae), Labcorp
Classification: Uncertain significance. Last evaluated: 2026-02-03. Review status: criteria provided, single submitter. Criteria: Invitae Variant Classification Sherloc (09022015). Collection method: clinical testing. Allele origin: germline.
Comment: This sequence change replaces serine, which is neutral and polar, with glycine, which is neutral and non-polar, at codon 242 of the CHRNA2 protein (p.Ser242Gly). This variant is present in population databases (rs544814869, gnomAD 0.02%). This variant has not been reported in the literature in individuals affected with CHRNA2-related conditions. ClinVar contains an entry for this variant (Variation ID: 654378). Invitae Evidence Modeling of protein sequence and biophysical properties (such as structural, functional, and spatial information, amino acid conservation, physicochemical variation, residue mobility, and thermodynamic stability) indicates that this missense variant is not expected to disrupt CHRNA2 protein function with a negative predictive value of 80%. In summary, the available evidence is currently insufficient to determine the role of this variant in disease. Therefore, it has been classified as a Variant of Uncertain Significance.

Women's Health and Genetics/Laboratory Corporation of America, LabCorp
Classification: Uncertain significance. Last evaluated: 2023-09-01. Review status: criteria provided, single submitter. Criteria: LabCorp Variant Classification Summary - May 2015. Collection method: clinical testing. Allele origin: germline.
Comment: Variant summary: CHRNA2 c.724A>G (p.Ser242Gly) results in a non-conservative amino acid change located in the Neurotransmitter-gated ion-channel ligand-binding domain (IPR006202) of the encoded protein sequence. Four of five in-silico tools predict a benign effect of the variant on protein function. The variant allele was found at a frequency of 4e-05 in 251344 control chromosomes (gnomAD). To our knowledge, no occurrence of c.724A>G in individuals affected with Autosomal Dominant Nocturnal Frontal Lobe Epilepsy 4 and no experimental evidence demonstrating its impact on protein function have been reported. Two submitters have cited clinical-significance assessments for this variant to ClinVar after 2014. Both submitters classified the variant as uncertain significance. Based on the evidence outlined above, the variant was classified as uncertain significance.

Ambry Genetics
Classification: Uncertain significance for Inborn genetic diseases. Last evaluated: 2018-04-20. Review status: criteria provided, single submitter. Criteria: Ambry Variant Classification Scheme 2023. Collection method: clinical testing. Allele origin: germline.
Comment: The p.S242G variant (also known as c.724A>G), located in coding exon 5 of the CHRNA2 gene, results from an A to G substitution at nucleotide position 724. The serine at codon 242 is replaced by glycine, an amino acid with similar properties. This amino acid position is poorly conserved in available vertebrate species. In addition, this alteration is predicted to be tolerated by in silico analysis. Since supporting evidence is limited at this time, the clinical significance of this alteration remains unclear.

NM_000742.4(CHRNA2):c.724A>G (p.Ser242Gly)

Gene: CHRNA2 (cholinergic receptor nicotinic alpha 2 subunit; minus strand). Cytogenetic location: 8p21.2.
Variant type: single nucleotide variant.
Coding change: c.724A>G on transcript NM_000742.4 (MANE Select); coding-DNA position 724, A replaced by G.
Protein change: p.Ser242Gly; replaces serine 242 with glycine.
Molecular consequence: missense variant.
Genome position (GRCh38, 1-based): chr8:27,463,719, T>C on the plus strand (A>G on the coding strand, the complement: CHRNA2 is on the minus strand). VCF-style: chr8-27463719-T-C. GRCh37 (hg19) VCF-style: chr8-27321236-T-C.
Other names: c.679A>G, p.Ser227Gly (NM_001282455.2); c.247A>G, p.Ser83Gly (NM_001347705.2, NM_001347706.2); c.130A>G, p.Ser44Gly (NM_001347707.2, NM_001347708.2); short protein forms S227G, S242G, S83G, S44G.
Identifiers: ClinVar variation 654378 (VCV000654378.8), dbSNP rs544814869, ClinGen allele CA4689605.